The following is an entry in ClinVar:

NM_138477.4(CDAN1):c.1705G>C (p.Gly569Arg)

Gene: CDAN1 (codanin 1; minus strand). Cytogenetic location: 15q15.2.
Variant type: single nucleotide variant.
Coding change: c.1705G>C on transcript NM_138477.4 (MANE Select); coding-DNA position 1705, G replaced by C.
Protein change: p.Gly569Arg; replaces glycine 569 with arginine.
Molecular consequence: missense variant.
Genome position (GRCh38, 1-based): chr15:42,731,654, C>G on the plus strand (G>C on the coding strand, the complement: CDAN1 is on the minus strand). VCF-style: chr15-42731654-C-G. GRCh37 (hg19) VCF-style: chr15-43023852-C-G.
Other names: short protein forms G569R.
Identifiers: ClinVar variation 994288 (VCV000994288.21), dbSNP rs201079951, ClinGen allele CA7515971.

ClinVar aggregate classification (germline): Uncertain significance. Review status: criteria provided, multiple submitters, no conflicts (2 of 4 stars). 4 submissions from 4 submitters: Uncertain significance (3). 1 of the submissions does not count toward it. Last evaluated 2024-12-03.

Conditions:
CDAN1-related disorder. Also called: CDAN1-related condition.
Anemia, congenital dyserythropoietic, type 1a (CDAN1A). Also called: DYSERYTHROPOIETIC ANEMIA, CONGENITAL, TYPE Ia; CDAN1-Related Congenital Dyserythropoietic Anemia. Identifiers: MedGen C5574667, MONDO:0009135, OMIM 224120.

Allele frequency attached by ClinVar (database versions not stated): ESP Exome Variant Server 0.00015; TOPMed 0.00048; gnomAD 0.00052 and 0.00055; gnomAD exomes 0.00059 and 0.00065; ExAC 0.00071.
gnomAD v4.1: 1,039 of 1,614,046 alleles (0.064%); highest among the groups gnomAD compares: Non-Finnish European, 0.079%; 1 homozygote.

Submissions (4):

Mayo Clinic Laboratories, Mayo Clinic
Classification: Uncertain significance. Last evaluated: 2024-12-03. Review status: criteria provided, single submitter. Criteria: ACMG Guidelines, 2015. Collection method: clinical testing. Allele origin: germline. Observed: 4 variant alleles.

ARUP Laboratories, Molecular Genetics and Genomics, ARUP Laboratories
Classification: Uncertain significance for Anemia, congenital dyserythropoietic, type 1a. Last evaluated: 2024-09-27. Review status: criteria provided, single submitter. Criteria: ARUP Molecular Germline Variant Investigation Process 2024. Collection method: clinical testing. Allele origin: germline.
Comment: The CDAN1 c.1705G>C; p.Gly569Arg variant (rs201079951), to our knowledge, is not reported in the medical literature but is reported in ClinVar (Variation ID: 994288). This variant is found predominantly in the non-Finnish European population with an allele frequency of 0.12% (153/128,864 alleles, including one homozygote) in the Genome Aggregation Database (v.2.1.1). Computational analyses are uncertain whether this variant is neutral or deleterious (REVEL: 0.528). Due to limited information, the clinical significance of this variant is uncertain at this time.

Labcorp Genetics (formerly Invitae), Labcorp
Classification: Uncertain significance. Last evaluated: 2023-11-21. Review status: criteria provided, single submitter. Criteria: Invitae Variant Classification Sherloc (09022015). Collection method: clinical testing. Allele origin: germline.
Comment: This sequence change replaces glycine, which is neutral and non-polar, with arginine, which is basic and polar, at codon 569 of the CDAN1 protein (p.Gly569Arg). This variant is present in population databases (rs201079951, gnomAD 0.1%), and has an allele count higher than expected for a pathogenic variant. This variant has not been reported in the literature in individuals affected with CDAN1-related conditions. ClinVar contains an entry for this variant (Variation ID: 994288). An algorithm developed to predict the effect of missense changes on protein structure and function (PolyPhen-2) suggests that this variant is likely to be disruptive. In summary, the available evidence is currently insufficient to determine the role of this variant in disease. Therefore, it has been classified as a Variant of Uncertain Significance.

PreventionGenetics, part of Exact Sciences
Classification: Uncertain significance for CDAN1-related condition. Last evaluated: 2024-04-28. Review status: no assertion criteria provided. Collection method: clinical testing. Allele origin: germline. Not counted in ClinVar's aggregate classification.
Comment: The CDAN1 c.1705G>C variant is predicted to result in the amino acid substitution p.Gly569Arg. To our knowledge, this variant has not been reported in the literature. This variant is reported in 0.12% of alleles in individuals of European (Non-Finnish) descent in gnomAD. Although we suspect that this variant may be benign, at this time, the clinical significance of this variant is uncertain due to the absence of conclusive functional and genetic evidence.